The following is an entry in ClinVar:

ClinVar aggregate classification (germline): Likely pathogenic (1 of 4 stars; one submission).

Conditions:
Rafiq syndrome (RAFQS). Identifiers: Orphanet 88616, MedGen C3280127, MONDO:0013624, OMIM 614202.

Submission:

Victorian Clinical Genetics Services, Murdoch Childrens Research Institute
Classification: Likely pathogenic for Rafiq syndrome. Last evaluated: 2023-07-17. Review status: criteria provided, single submitter. Criteria: ACMG Guidelines, 2015. Collection method: clinical testing. Allele origin: germline. Inheritance: Autosomal recessive inheritance. Affected: yes.
Comment: Based on the classification scheme VCGS_Germline_v1.3.4, this variant is classified as Likely pathogenic. Following criteria are met: 0102 - Loss of function is a known mechanism of disease in this gene and is associated with Rafiq syndrome (MIM#614202). (I) 0106 - This gene is associated with autosomal recessive disease. (I) 0211 - Canonical splice site variant without proven consequence on splicing (no functional evidence available). (SP) 0251 - This variant is heterozygous. (I) 0301 - Variant is absent from gnomAD (both v2 and v3). (SP) 0505 - Abnormal splicing is predicted by in silico tools and affected nucleotide is highly conserved. (SP) 0600 - Variant is located in the annotated Glyco_hydro_47 domain (DECIPHER). (I) 0705 - No comparable splice site variants have previous evidence for pathogenicity. (I) 0807 - This variant has no previous evidence of pathogenicity. (I) 0905 - No published segregation evidence has been identified for this variant. (I) 1007 - No published functional evidence has been identified for this variant. (I) 1201 - Heterozygous variant assumed in trans with a likely pathogenic heterozygous variant (NM_016219.4:c.1378_1394delinsAG; p.(Ala460_Tyr465delinsSer)) in a recessive disease. (I) Legend: (SP) - Supporting pathogenic, (I) - Information, (SB) - Supporting benign

NM_016219.5(MAN1B1):c.917-2_921del

Gene: MAN1B1 (mannosidase alpha class 1B member 1; plus strand). Cytogenetic location: 9q34.3.
Variant type: Deletion.
Coding change: c.917-2_921del on transcript NM_016219.5 (MANE Select); the canonical splice acceptor site of the intron before coding-DNA position 917 through coding-DNA position 921, 7 bases deleted (AGAATTT; older notation c.917-2_921delAGAATTT).
Molecular consequence: splice acceptor variant.
Genome position (GRCh38, 1-based): chr9:137,101,003-137,101,009, AGAATTT deleted; deleting any 7 consecutive bases within chr9:137,101,002-137,101,009 gives the same sequence; the c. name uses the placement nearest the transcript's 3' end. VCF-style (leftmost placement, unchanged base first): chr9-137101001-ATAGAATT-A. GRCh37 (hg19) VCF-style: chr9-139995453-ATAGAATT-A.
Identifiers: ClinVar variation 1805568 (VCV001805568.2), dbSNP rs2538333097, ClinGen allele CA923726119.